The following is an entry in ClinVar:

ClinVar aggregate classification (germline): Pathogenic (1 of 4 stars; one submission).

Conditions:
Neurofibromatosis, type 1 (NF1). Also called: Peripheral type neurofibromatosis; VON RECKLINGHAUSEN DISEASE; NEUROFIBROMATOSIS, TYPE I, SOMATIC; Neurofibromatosis, type I. Identifiers: Orphanet 636, MedGen C0027831, MONDO:0018975, OMIM 162200. Disease mechanism: loss of function.

Submission:

Labcorp Genetics (formerly Invitae), Labcorp
Classification: Pathogenic for Neurofibromatosis, type 1. Last evaluated: 2020-11-17. Review status: criteria provided, single submitter. Criteria: Invitae Variant Classification Sherloc (09022015). Collection method: clinical testing. Allele origin: germline.
Comment: For these reasons, this variant has been classified as Pathogenic. Algorithms developed to predict the effect of sequence changes on RNA splicing suggest that this variant may create or strengthen a splice site, but this prediction has not been confirmed by published transcriptional studies. This variant has not been reported in the literature in individuals with NF1-related conditions. This variant is not present in population databases (ExAC no frequency). This sequence change creates a premature translational stop signal (p.Glu778*) in the NF1 gene. It is expected to result in an absent or disrupted protein product. Loss-of-function variants in NF1 are known to be pathogenic (PMID: 10712197, 23913538).

Literature cited by the submitters: PubMed 10712197; PubMed 23913538.

NM_001042492.3(NF1):c.2332G>T (p.Glu778Ter)

Gene: NF1 (neurofibromin 1; plus strand). Cytogenetic location: 17q11.2.
Variant type: single nucleotide variant.
Coding change: c.2332G>T on transcript NM_001042492.3 (MANE Select); coding-DNA position 2332, G replaced by T.
Protein change: p.Glu778Ter; replaces glutamic acid 778 with a stop codon.
Molecular consequence: nonsense.
Genome position (GRCh38, 1-based): chr17:31,227,529, G>T. VCF-style: chr17-31227529-G-T. GRCh37 (hg19) VCF-style: chr17-29554547-G-T.
Other names: c.2332G>T, p.Glu778Ter (NM_000267.4); short protein forms E778*.
Identifiers: ClinVar variation 1434549 (VCV001434549.6), dbSNP rs749404479, ClinGen allele CA398983022.